The following is an entry in ClinVar:

NM_002485.5(NBN):c.1352_1353delinsCC (p.Gln451Pro)

Gene: NBN (nibrin; minus strand). Cytogenetic location: 8q21.3.
Variant type: Indel.
Coding change: c.1352_1353delinsCC on transcript NM_002485.5 (MANE Select); coding-DNA positions 1352 to 1353, AG replaced by CC.
Protein change: p.Gln451Pro; replaces glutamine 451 with proline.
Molecular consequence: missense variant.
Genome position (GRCh38, 1-based): chr8:89,955,327-89,955,328, CT replaced by GG on the plus strand (AG replaced by CC on the coding strand, the reverse complement: NBN is on the minus strand). VCF-style: chr8-89955327-CT-GG. GRCh37 (hg19) VCF-style: chr8-90967555-CT-GG.
Other names: c.1352_1353delAGinsCC (NM_002485.4); c.1106_1107delinsCC, p.Gln369Pro (NM_001024688.3); short protein forms Q369P, Q451P.
Identifiers: ClinVar variation 480062 (VCV000480062.21), dbSNP rs1554559065, ClinGen allele CA658657799.

ClinVar aggregate classification (germline): Uncertain significance. Review status: criteria provided, multiple submitters, no conflicts (2 of 4 stars). 4 submissions from 4 submitters: Uncertain significance (4). Last evaluated 2024-09-13.

Conditions:
Hereditary cancer-predisposing syndrome. Also called: Hereditary neoplastic syndrome; Neoplastic Syndromes, Hereditary; Tumor predisposition; Hereditary Cancer Syndrome. Identifiers: Orphanet 140162, MedGen C0027672, MeSH D009386, MONDO:0015356.
Microcephaly, normal intelligence and immunodeficiency (NBS). Also called: IMMUNODEFICIENCY, MICROCEPHALY, AND CHROMOSOMAL INSTABILITY; SEEMANOVA SYNDROME II; Nijmegen breakage syndrome; Microcephaly with normal intelligence immunodeficiency and lymphoreticular malignancies; Nonsyndromal microcephaly autosomal recessive with normal intelligence; Seemanova syndrome 2. Identifiers: Orphanet 647, MedGen C0398791, MONDO:0009623, OMIM 251260.

Submissions (4):

Ambry Genetics
Classification: Uncertain significance for Hereditary cancer-predisposing syndrome. Last evaluated: 2024-09-13. Review status: criteria provided, single submitter. Criteria: Ambry Variant Classification Scheme 2023. Collection method: clinical testing. Allele origin: germline.
Comment: The c.1352_1353delAGinsCC variant (also known as p.Q451P), located in coding exon 10 of the NBN gene, results from an in-frame deletion of AG and insertion of CC at nucleotide positions 1352 to 1353. This results in the substitution of the glutamine residue for a proline residue at codon 451, an amino acid with similar properties. This amino acid position is well conserved in available vertebrate species. In addition, this alteration is predicted to be neutral by in silico analysis (Choi Y et al. PLoS ONE. 2012; 7(10):e46688). Since supporting evidence is limited at this time, the clinical significance of this alteration remains unclear.

Labcorp Genetics (formerly Invitae), Labcorp
Classification: Uncertain significance for Microcephaly, normal intelligence and immunodeficiency. Last evaluated: 2023-04-10. Review status: criteria provided, single submitter. Criteria: Invitae Variant Classification Sherloc (09022015). Collection method: clinical testing. Allele origin: germline.
Comment: This sequence change replaces glutamine, which is neutral and polar, with proline, which is neutral and non-polar, at codon 451 of the NBN protein (p.Gln451Pro). In summary, the available evidence is currently insufficient to determine the role of this variant in disease. Therefore, it has been classified as a Variant of Uncertain Significance. An algorithm developed to predict the effect of missense changes on protein structure and function (PolyPhen-2) suggests that this variant is likely to be disruptive. ClinVar contains an entry for this variant (Variation ID: 480062). This variant has not been reported in the literature in individuals affected with NBN-related conditions. Information on the frequency of this variant in the gnomAD database is not available, as this variant may be reported differently in the database.

Genome-Nilou Lab
Classification: Uncertain significance for Microcephaly, normal intelligence and immunodeficiency. Last evaluated: 2021-11-07. Review status: criteria provided, single submitter. Criteria: ACMG Guidelines, 2015. Collection method: clinical testing. Allele origin: germline. Affected: no.

GeneDx
Classification: Uncertain significance. Last evaluated: 2019-10-16. Review status: criteria provided, single submitter. Criteria: GeneDx Variant Classification Process June 2021. Collection method: clinical testing. Allele origin: germline. Affected: yes.
Comment: Not observed in large population cohorts (Lek 2016); In silico analysis, which includes protein predictors and evolutionary conservation, supports that this variant does not alter protein structure/function; Has not been previously published as pathogenic or benign to our knowledge